The following is an entry in ClinVar:

ClinVar aggregate classification (germline): Uncertain significance (1 of 4 stars; one submission).

gnomAD v4.1: 1 of 1,614,152 alleles (0.000062%); highest among the groups gnomAD compares: Non-Finnish European, 0.000085%; no homozygotes.

Submission:

Ambry Genetics
Classification: Uncertain significance. Last evaluated: 2025-07-25. Review status: criteria provided, single submitter. Criteria: Ambry Variant Classification Scheme 2023. Collection method: clinical testing. Allele origin: germline.
Comment: The p.N1314I variant (also known as c.3941A>T), located in coding exon 8 of the MLH3 gene, results from an A to T substitution at nucleotide position 3941. The asparagine at codon 1314 is replaced by isoleucine, an amino acid with dissimilar properties. This amino acid position is conserved. In addition, the in silico prediction for this alteration is inconclusive. Based on the available evidence, the clinical significance of this variant remains unclear.

NM_001040108.2(MLH3):c.3941A>T (p.Asn1314Ile)

Gene: MLH3 (mutL homolog 3; minus strand). Cytogenetic location: 14q24.3.
Variant type: single nucleotide variant.
Coding change: c.3941A>T on transcript NM_001040108.2 (MANE Select); coding-DNA position 3941, A replaced by T.
Protein change: p.Asn1314Ile; replaces asparagine 1314 with isoleucine.
Molecular consequence: missense variant.
Genome position (GRCh38, 1-based): chr14:75,030,589, T>A on the plus strand (A>T on the coding strand, the complement: MLH3 is on the minus strand). VCF-style: chr14-75030589-T-A. GRCh37 (hg19) VCF-style: chr14-75497292-T-A.
Other names: c.3869A>T, p.Asn1290Ile (NM_014381.3); short protein forms N1290I, N1314I.
Identifiers: ClinVar variation 4108648 (VCV004108648.1).